The following is an entry in ClinVar:

ClinVar aggregate classification (germline): Uncertain significance (1 of 4 stars; one submission).

Conditions:
VPS13B-related disorder. Also called: VPS13B-related condition.

Submission:

PreventionGenetics, part of Exact Sciences
Classification: Uncertain significance for VPS13B-related condition. Last evaluated: 2026-04-05. Review status: criteria provided, single submitter. Criteria: ACMG Guidelines, 2015. Collection method: clinical testing. Allele origin: germline.
Comment: The VPS13B c.8189A>G variant is predicted to result in the amino acid substitution p.Gln2730Arg. To our knowledge, this variant has not been reported in the literature or in a large population database (gnomAD), indicating this variant is rare. At this time, the clinical significance of this variant is uncertain due to the absence of conclusive functional and genetic evidence.

NM_152564.5(VPS13B):c.8189A>G (p.Gln2730Arg)

Gene: VPS13B (vacuolar protein sorting 13 homolog B; plus strand). Cytogenetic location: 8q22.2.
Variant type: single nucleotide variant.
Coding change: c.8189A>G on transcript NM_152564.5 (MANE Select); coding-DNA position 8189, A replaced by G.
Protein change: p.Gln2730Arg; replaces glutamine 2730 with arginine.
Molecular consequence: missense variant.
Genome position (GRCh38, 1-based): chr8:99,817,631, A>G. VCF-style: chr8-99817631-A-G. GRCh37 (hg19) VCF-style: chr8-100829859-A-G.
Other names: c.8264A>G, p.Gln2755Arg (NM_017890.5); short protein forms Q2730R, Q2755R.
Identifiers: ClinVar variation 4990957 (VCV004990957.1).